The following is an entry in ClinVar:

ClinVar aggregate classification (germline): Pathogenic. Review status: reviewed by expert panel (3 of 4 stars). 2 submissions from 2 submitters: Pathogenic (1). 1 of the submissions does not count toward it. Last evaluated 2016-10-18.

Conditions:
Breast-ovarian cancer, familial, susceptibility to, 1 (BROVCA1). Also called: BRCA1 Hereditary Breast and Ovarian Cancer; OVARIAN CANCER, SUSCEPTIBILITY TO. Identifiers: Orphanet 145, MedGen C2676676, MONDO:0011450, OMIM 604370. Disease mechanism: loss of function.

Submissions (2):

Evidence-based Network for the Interpretation of Germline Mutant Alleles (ENIGMA)
Classification: Pathogenic for Breast-ovarian cancer, familial, susceptibility to, 1. Last evaluated: 2016-10-18. Review status: reviewed by expert panel. Criteria: ENIGMA BRCA1/2 Classification Criteria (2015). Collection method: curation. Allele origin: germline.
Comment: Variant allele predicted to encode a truncated non-functional protein.

Consortium of Investigators of Modifiers of BRCA1/2 (CIMBA), c/o University of Cambridge
Classification: Pathogenic for Breast-ovarian cancer, familial, susceptibility to, 1. Last evaluated: 2015-10-02. Review status: criteria provided, single submitter. Criteria: CIMBA Mutation Classification guidelines May 2016. Collection method: clinical testing. Allele origin: germline. Not counted in ClinVar's aggregate classification.

NM_007294.4(BRCA1):c.2971A>T (p.Lys991Ter)

Gene: BRCA1 (BRCA1 DNA repair associated; minus strand). Cytogenetic location: 17q21.31.
Variant type: single nucleotide variant.
Coding change: c.2971A>T on transcript NM_007294.4 (MANE Select); coding-DNA position 2971, A replaced by T.
Protein change: p.Lys991Ter; replaces lysine 991 with a stop codon.
Molecular consequence: nonsense. On other transcripts: intron variant (137).
Genome position (GRCh38, 1-based): chr17:43,092,560, T>A on the plus strand (A>T on the coding strand, the complement: BRCA1 is on the minus strand). VCF-style: chr17-43092560-T-A. GRCh37 (hg19) VCF-style: chr17-41244577-T-A.
Other names: 3090A>T; c.2890A>T, p.Lys964Ter (NM_001407659.1, NM_001407660.1, NM_001407661.1 and 1 more transcripts); c.2845A>T, p.Lys949Ter (NM_001407671.1, NM_001407672.1, NM_001407673.1 and 11 more transcripts); c.2848A>T, p.Lys950Ter (NM_001407674.1, NM_001407675.1, NM_001407676.1 and 19 more transcripts); c.2830A>T, p.Lys944Ter (NM_001407692.1, NM_001407694.1, NM_001407695.1 and 29 more transcripts); c.2827A>T, p.Lys943Ter (NM_001407740.1, NM_001407741.1, NM_001407742.1 and 20 more transcripts); c.2770A>T, p.Lys924Ter (NM_001407862.1); c.2767A>T, p.Lys923Ter (NM_001407874.1, NM_001407875.1); and 42 more; short protein forms K991*, K944*, K823*, K864*, K879*, K921*, K924*, K863*.
Identifiers: ClinVar variation 266325 (VCV000266325.7), dbSNP rs886040090, ClinGen allele CA10589791.
Genomic context (GRCh38, chr17:43,092,560, plus strand): 5'-CAGGTGACATTGAATGTTCCTCAAAGTTTTCCTCTAGCAGATTTTTCTTACATTTAGTTT[T>A]AACAAATGACTTGATGGGAAAAAGTGGTGGTATACGATATGGGTTTTGTAAAAGTCCATG-3'